The following is an entry in ClinVar:

ClinVar aggregate classification (germline): Uncertain significance (1 of 4 stars; one submission).

gnomAD v4.1: 5 of 1,514,000 alleles (0.00033%); highest among the groups gnomAD compares: South Asian, 0.0013%; no homozygotes.

Submission:

Women's Health and Genetics/Laboratory Corporation of America, LabCorp
Classification: Uncertain significance. Last evaluated: 2026-04-30. Review status: criteria provided, single submitter. Criteria: LabCorp Variant Classification Summary - May 2015. Collection method: clinical testing. Allele origin: germline.
Comment: Variant summary: DSPP c.2669A>G (p.Asn890Ser) results in a conservative amino acid change in the encoded protein sequence. Algorithms developed to predict the effect of missense changes on protein structure and function all suggest that this variant is likely to be tolerated. The variant allele was found at a frequency of 9.9e-05 in 152204 control chromosomes in the gnomAD database, including 6 homozygotes. This frequency is not significantly higher than estimated for disease-causing variants in DSPP, allowing no conclusion about variant significance. To our knowledge, no occurrence of c.2669A>G in individuals affected with DSPP-related conditions and no experimental evidence demonstrating its impact on protein function have been reported. No submitters have cited clinical-significance assessments for this variant to ClinVar. Based on the evidence outlined above, the variant was classified as uncertain significance.

NM_014208.3(DSPP):c.2669A>G (p.Asn890Ser)

Genes: DMP1-AS1 (DMP1 and DSPP antisense RNA 1; minus strand), DSPP (dentin sialophosphoprotein; plus strand). Cytogenetic location: 4q22.1.
Variant type: single nucleotide variant.
Coding change: c.2669A>G on transcript NM_014208.3 (MANE Select); coding-DNA position 2669, A replaced by G.
Protein change: p.Asn890Ser; replaces asparagine 890 with serine.
Molecular consequence: missense variant.
Genome position (GRCh38, 1-based): chr4:87,615,331, A>G. VCF-style: chr4-87615331-A-G. GRCh37 (hg19) VCF-style: chr4-88536483-A-G.
Other names: short protein forms N890S.
Identifiers: ClinVar variation 4848430 (VCV004848430.1).